The following is an entry in ClinVar:

ClinVar aggregate classification (germline): Uncertain significance. Review status: criteria provided, multiple submitters, no conflicts (2 of 4 stars). 3 submissions from 3 submitters: Uncertain significance (3). Last evaluated 2024-04-08.

Conditions:
Primary ciliary dyskinesia. Also called: Ciliary dyskinesia. Identifiers: Orphanet 244, MedGen C0008780, MONDO:0016575, HP:0012265.
Primary ciliary dyskinesia 15. Also called: CILIARY DYSKINESIA, PRIMARY, 15, WITH OR WITHOUT SITUS INVERSUS. Identifiers: Orphanet 244, MedGen C3151137, MONDO:0013435, OMIM 613808.

Allele frequency attached by ClinVar (database versions not stated): gnomAD exomes 0.00008; ExAC 0.00017; gnomAD 0.00029 and 0.00030; TOPMed 0.00037; ESP Exome Variant Server 0.00039; 1000 Genomes Project 0.00040; 1000 Genomes Project 30x 0.00062.
gnomAD v4.1: 114 of 1,598,254 alleles (0.0071%); highest among the groups gnomAD compares: African/African-American, 0.059%; no homozygotes.

Submissions (3):

Fulgent Genetics
Classification: Uncertain significance for Primary ciliary dyskinesia 15. Last evaluated: 2024-04-08. Review status: criteria provided, single submitter. Criteria: ACMG Guidelines, 2015. Collection method: clinical testing. Allele origin: germline.

Labcorp Genetics (formerly Invitae), Labcorp
Classification: Uncertain significance for Primary ciliary dyskinesia. Last evaluated: 2022-06-27. Review status: criteria provided, single submitter. Criteria: Invitae Variant Classification Sherloc (09022015). Collection method: clinical testing. Allele origin: germline.
Comment: This sequence change replaces arginine, which is basic and polar, with histidine, which is basic and polar, at codon 370 of the CCDC40 protein (p.Arg370His). This variant is present in population databases (rs77027689, gnomAD 0.08%). This variant has not been reported in the literature in individuals affected with CCDC40-related conditions. ClinVar contains an entry for this variant (Variation ID: 852269). Algorithms developed to predict the effect of missense changes on protein structure and function are either unavailable or do not agree on the potential impact of this missense change (SIFT: "Deleterious"; PolyPhen-2: "Probably Damaging"; Align-GVGD: "Class C0"). In summary, the available evidence is currently insufficient to determine the role of this variant in disease. Therefore, it has been classified as a Variant of Uncertain Significance.

Revvity Omics, Revvity
Classification: Uncertain significance for Primary ciliary dyskinesia 15. Last evaluated: 2021-01-27. Review status: criteria provided, single submitter. Criteria: ACMG Guidelines, 2015. Collection method: clinical testing. Allele origin: germline.

NM_017950.4(CCDC40):c.1109G>A (p.Arg370His)

Gene: CCDC40 (coiled-coil domain 40 molecular ruler complex subunit; plus strand). Cytogenetic location: 17q25.3.
Variant type: single nucleotide variant.
Coding change: c.1109G>A on transcript NM_017950.4 (MANE Select); coding-DNA position 1109, G replaced by A.
Protein change: p.Arg370His; replaces arginine 370 with histidine.
Molecular consequence: missense variant.
Genome position (GRCh38, 1-based): chr17:80,050,233, G>A. VCF-style: chr17-80050233-G-A. GRCh37 (hg19) VCF-style: chr17-78024032-G-A.
Other names: c.1109G>A, p.Arg370His (NM_001243342.2, NM_001330508.2); short protein forms R370H.
Identifiers: ClinVar variation 852269 (VCV000852269.11), dbSNP rs77027689, ClinGen allele CA8813685.
Genomic context (GRCh38, chr17:80,050,233, plus strand): 5'-ACCGCCACGCAATGGCCTCGAGCGAGCGCAGGCAGAAGGAGGAGGAGCTGCAGGCCGCCC[G>A]CGCTCTCTACACCAAGACCTGCGCAGCCGCCAACGAGGAGCGCAAAAAGTGTAAGGCAAC-3'
Protein context (NP_060420.2, residues 360-380): RQKEEELQAA[Arg370His]ALYTKTCAAA